The following is an entry in ClinVar:

NM_145046.5(CALR3):c.941A>T (p.Asp314Val)

Gene: CALR3 (calreticulin 3; minus strand). Cytogenetic location: 19p13.11.
Variant type: single nucleotide variant.
Coding change: c.941A>T on transcript NM_145046.5 (MANE Select); coding-DNA position 941, A replaced by T.
Protein change: p.Asp314Val; replaces aspartic acid 314 with valine.
Molecular consequence: missense variant.
Genome position (GRCh38, 1-based): chr19:16,480,684, T>A on the plus strand (A>T on the coding strand, the complement: CALR3 is on the minus strand). VCF-style: chr19-16480684-T-A. GRCh37 (hg19) VCF-style: chr19-16591495-T-A.
Other names: short protein forms D314V.
Identifiers: ClinVar variation 1009504 (VCV001009504.9), dbSNP rs1233176565, ClinGen allele CA404606807.

ClinVar aggregate classification (germline): Uncertain significance (1 of 4 stars; one submission).

Conditions:
Hypertrophic cardiomyopathy 19. Also called: Familial hypertrophic cardiomyopathy 19. Identifiers: MedGen CN077603, MONDO:0013476.

Allele frequency attached by ClinVar (database versions not stated): gnomAD exomes below 0.00001.
gnomAD v4.1: 2 of 1,613,786 alleles (0.00012%); highest among the groups gnomAD compares: Non-Finnish European, 0.00017%; no homozygotes.

Submission:

Labcorp Genetics (formerly Invitae), Labcorp
Classification: Uncertain significance for Hypertrophic cardiomyopathy 19. Last evaluated: 2020-03-07. Review status: criteria provided, single submitter. Criteria: Invitae Variant Classification Sherloc (09022015). Collection method: clinical testing. Allele origin: germline.
Comment: This sequence change replaces aspartic acid with valine at codon 314 of the CALR3 protein (p.Asp314Val). The aspartic acid residue is highly conserved and there is a large physicochemical difference between aspartic acid and valine. This variant is not present in population databases (ExAC no frequency). This variant has not been reported in the literature in individuals with CALR3-related conditions. Algorithms developed to predict the effect of missense changes on protein structure and function are either unavailable or do not agree on the potential impact of this missense change (SIFT: "Deleterious"; PolyPhen-2: "Benign"; Align-GVGD: "Class C25"). In summary, the available evidence is currently insufficient to determine the role of this variant in disease. Therefore, it has been classified as a Variant of Uncertain Significance.